The following is an entry in ClinVar:

NM_001025616.3(ARHGAP24):c.458C>T (p.Pro153Leu)

Gene: ARHGAP24 (Rho GTPase activating protein 24; plus strand). Cytogenetic location: 4q21.23.
Variant type: single nucleotide variant.
Coding change: c.458C>T on transcript NM_001025616.3 (MANE Select); coding-DNA position 458, C replaced by T.
Protein change: p.Pro153Leu; replaces proline 153 with leucine.
Molecular consequence: missense variant. On other transcripts: intron variant (1).
Genome position (GRCh38, 1-based): chr4:85,942,132, C>T. VCF-style: chr4-85942132-C-T. GRCh37 (hg19) VCF-style: chr4-86863285-C-T.
Other names: c.173C>T, p.Pro58Leu (NM_001042669.2); c.203C>T, p.Pro68Leu (NM_001287805.2); c.179C>T, p.Pro60Leu (NM_031305.3); c.20+18362C>T (NM_001346093.2); short protein forms P68L, P153L, P58L, P60L.
Identifiers: ClinVar variation 1904142 (VCV001904142.5), dbSNP rs1213178401, ClinGen allele CA357696850.

ClinVar aggregate classification (germline): Uncertain significance (1 of 4 stars; one submission).

Allele frequency attached by ClinVar (database versions not stated): gnomAD 0.00001; TOPMed 0.00001; gnomAD exomes 0.00002.
gnomAD v4.1: 12 of 1,613,780 alleles (0.00074%); highest among the groups gnomAD compares: Admixed American, 0.017%; no homozygotes.

Submission:

Labcorp Genetics (formerly Invitae), Labcorp
Classification: Uncertain significance. Last evaluated: 2022-11-22. Review status: criteria provided, single submitter. Criteria: Invitae Variant Classification Sherloc (09022015). Collection method: clinical testing. Allele origin: germline.
Comment: In summary, the available evidence is currently insufficient to determine the role of this variant in disease. Therefore, it has been classified as a Variant of Uncertain Significance. Algorithms developed to predict the effect of missense changes on protein structure and function (SIFT, PolyPhen-2, Align-GVGD) all suggest that this variant is likely to be disruptive. This variant has not been reported in the literature in individuals affected with ARHGAP24-related conditions. This variant is present in population databases (no rsID available, gnomAD 0.02%). This sequence change replaces proline, which is neutral and non-polar, with leucine, which is neutral and non-polar, at codon 153 of the ARHGAP24 protein (p.Pro153Leu).